The following is an entry in ClinVar:

ClinVar aggregate classification (germline): Uncertain significance. Review status: criteria provided, multiple submitters, no conflicts (2 of 4 stars). 2 submissions from 2 submitters: Uncertain significance (2). Last evaluated 2025-04-02.

Allele frequency attached by ClinVar (database versions not stated): gnomAD exomes below 0.00001; gnomAD 0.00001; TOPMed 0.00002.
gnomAD v4.1: 3 of 1,204,118 alleles (0.00025%); highest among the groups gnomAD compares: Admixed American, 0.0066%; no homozygotes.

Submissions (2):

Ambry Genetics
Classification: Uncertain significance. Last evaluated: 2025-04-02. Review status: criteria provided, single submitter. Criteria: Ambry Variant Classification Scheme 2023. Collection method: clinical testing. Allele origin: germline.

Labcorp Genetics (formerly Invitae), Labcorp
Classification: Uncertain significance. Last evaluated: 2023-08-24. Review status: criteria provided, single submitter. Criteria: Invitae Variant Classification Sherloc (09022015). Collection method: clinical testing. Allele origin: germline.
Comment: This sequence change replaces arginine, which is basic and polar, with lysine, which is basic and polar, at codon 38 of the SOX3 protein (p.Arg38Lys). This variant has not been reported in the literature in individuals affected with SOX3-related conditions. This variant is present in population databases (no rsID available, gnomAD 0.3%). ClinVar contains an entry for this variant (Variation ID: 2171527). Advanced modeling of protein sequence and biophysical properties (such as structural, functional, and spatial information, amino acid conservation, physicochemical variation, residue mobility, and thermodynamic stability) performed at Invitae indicates that this missense variant is not expected to disrupt SOX3 protein function. In summary, the available evidence is currently insufficient to determine the role of this variant in disease. Therefore, it has been classified as a Variant of Uncertain Significance.

NM_005634.3(SOX3):c.113G>A (p.Arg38Lys)

Genes: SOX3 (SRY-box transcription factor 3; minus strand), LOC108281134 (SOX3 promoter region; plus strand). Cytogenetic location: Xq27.1.
Variant type: single nucleotide variant.
Coding change: c.113G>A on transcript NM_005634.3 (MANE Select); coding-DNA position 113, G replaced by A.
Protein change: p.Arg38Lys; replaces arginine 38 with lysine.
Molecular consequence: missense variant.
Genome position (GRCh38, 1-based): chrX:140,504,948, C>T on the plus strand (G>A on the coding strand, the complement: SOX3 is on the minus strand). VCF-style: chrX-140504948-C-T. GRCh37 (hg19) VCF-style: chrX-139587113-C-T.
Other names: c.113G>A (NM_005634.2); short protein forms R38K.
Identifiers: ClinVar variation 2171527 (VCV002171527.5), dbSNP rs905035128, ClinGen allele CA336481022.